The following is an entry in ClinVar:

ClinVar aggregate classification (germline): Likely benign. Review status: criteria provided, multiple submitters, no conflicts (2 of 4 stars). 3 submissions from 3 submitters: Likely benign (3). Last evaluated 2022-03-01.

Conditions:
Inborn genetic diseases. Identifiers: MedGen C0950123, MeSH D030342.

Allele frequency attached by ClinVar (database versions not stated): gnomAD 0.00004; TOPMed 0.00007.

Submissions (3):

CeGaT Center for Human Genetics Tuebingen
Classification: Likely benign. Last evaluated: 2022-03-01. Review status: criteria provided, single submitter. Criteria: CeGaT Center For Human Genetics Tuebingen Variant Classification Criteria Version 2. Collection method: clinical testing. Allele origin: germline. Affected: yes. Observed: 1 variant allele.
Comment: SHANK3: BP4, BP7

GeneDx
Classification: Likely benign. Last evaluated: 2020-09-30. Review status: criteria provided, single submitter. Criteria: GeneDx Variant Classification Process June 2021. Collection method: clinical testing. Allele origin: germline. Affected: yes.

Ambry Genetics
Classification: Likely benign for Inborn genetic diseases. Last evaluated: 2020-06-17. Review status: criteria provided, single submitter. Criteria: Ambry Variant Classification Scheme 2023. Collection method: clinical testing. Allele origin: germline.

NM_001372044.2(SHANK3):c.2745G>A (p.Pro915=)

Gene: SHANK3 (SH3 and multiple ankyrin repeat domains 3; plus strand). Cytogenetic location: 22q13.33.
Variant type: single nucleotide variant.
Coding change: c.2745G>A on transcript NM_001372044.2 (MANE Select); coding-DNA position 2745, G replaced by A.
Protein change: p.Pro915=; no amino-acid change (proline 915 retained).
Molecular consequence: synonymous variant.
Genome position (GRCh38, 1-based): chr22:50,720,353, G>A. VCF-style: chr22-50720353-G-A. GRCh37 (hg19) VCF-style: chr22-51158781-G-A.
Other names: c.2520G>A (NM_033517.1).
Identifiers: ClinVar variation 1254067 (VCV001254067.28), dbSNP rs1453397190, ClinGen allele CA515259020.